The following is an entry in ClinVar:

ClinVar aggregate classification (germline): Likely benign. Review status: criteria provided, multiple submitters, no conflicts (2 of 4 stars). 4 submissions from 4 submitters: Likely benign (4). Last evaluated 2025-11-25.

Conditions:
Familial thoracic aortic aneurysm and aortic dissection (TAAD). Also called: Thoracic aortic aneurysms and dissections. Identifiers: Orphanet 91387, MedGen C4707243, MONDO:0019625.
Marfan syndrome (MFS). Also called: Marfan syndrome type 1; Marfan's syndrome; FBN1-Related Marfan Syndrome; MARFAN SYNDROME, TYPE I; Marfan syndrome, classic. Identifiers: Orphanet 284963, Orphanet 558, MedGen C0024796, MONDO:0007947, OMIM 154700.
FBN1-related disorder. Also called: FBN1-related disorders.

Allele frequency attached by ClinVar (database versions not stated): ExAC 0.00001; gnomAD 0.00001; gnomAD exomes 0.00002; TOPMed 0.00002.
gnomAD v4.1: 33 of 1,613,640 alleles (0.002%); highest among the groups gnomAD compares: Middle Eastern, 0.017%; no homozygotes.

Submissions (4):

Labcorp Genetics (formerly Invitae), Labcorp
Classification: Likely benign for Marfan syndrome; Familial thoracic aortic aneurysm and aortic dissection. Last evaluated: 2025-11-25. Review status: criteria provided, single submitter. Criteria: Invitae Variant Classification Sherloc (09022015). Collection method: clinical testing. Allele origin: germline.

PreventionGenetics, part of Exact Sciences
Classification: Likely benign for FBN1-related condition. Last evaluated: 2025-02-06. Review status: criteria provided, single submitter. Criteria: ACMG Guidelines, 2015. Collection method: clinical testing. Allele origin: germline.
Comment: This variant is classified as likely benign based on ACMG/AMP sequence variant interpretation guidelines (Richards et al. 2015 PMID: 25741868, with internal and published modifications).

All of Us Research Program, National Institutes of Health
Classification: Likely benign for Marfan syndrome. Last evaluated: 2024-08-06. Review status: criteria provided, single submitter. Criteria: ACMG Guidelines, 2015. Collection method: clinical testing. Allele origin: germline. Inheritance: Autosomal dominant inheritance. Observed: 6 variant alleles, 6 heterozygotes.
Comment: This study involves interpretation of variants in research participants for the purpose of population health screening. Participant phenotype was not available at the time of variant classification. Additional details can be found in publication PMID: 35346344, PMCID: PMC8962531

Color Diagnostics, LLC DBA Color Health
Classification: Likely benign for Familial thoracic aortic aneurysm and aortic dissection. Last evaluated: 2021-03-22. Review status: criteria provided, single submitter. Criteria: ACMG Guidelines, 2015. Collection method: clinical testing. Allele origin: germline.

NM_000138.5(FBN1):c.7707C>T (p.Asp2569=)

Gene: FBN1 (fibrillin 1; minus strand). Cytogenetic location: 15q21.1.
Variant type: single nucleotide variant.
Coding change: c.7707C>T on transcript NM_000138.5 (MANE Select); coding-DNA position 7707, C replaced by T.
Protein change: p.Asp2569=; no amino-acid change (aspartic acid 2569 retained).
Molecular consequence: synonymous variant.
Genome position (GRCh38, 1-based): chr15:48,420,799, G>A on the plus strand (C>T on the coding strand, the complement: FBN1 is on the minus strand). VCF-style: chr15-48420799-G-A. GRCh37 (hg19) VCF-style: chr15-48712996-G-A.
Identifiers: ClinVar variation 1332227 (VCV001332227.13), dbSNP rs756093148, ClinGen allele CA059102.
Genomic context (GRCh38, chr15:48,420,799, plus strand): 5'-CCTGTAGCCCCCAATGATGTTCTGGCAGCCATGCTGGCAGCGGTGGTTACCCTCACACTC[G>A]TCCACGTCTGAAAAAGAAGCAGAGCCACCATGATGCCAACTCAACATCTCTCTCTGAAGC-3'
Protein context (NP_000129.3, residues 2559-2579): DQTGSSCEDV[Asp2569=]ECEGNHRCQH